The following is an entry in ClinVar:

NM_000093.5(COL5A1):c.5136+122G>A

Genes: COL5A1 (collagen type V alpha 1 chain; plus strand), LOC101448202 (uncharacterized LOC101448202; minus strand). Cytogenetic location: 9q34.3.
Variant type: single nucleotide variant.
Coding change: c.5136+122G>A on transcript NM_000093.5 (MANE Select); 122 bases into the intron after coding-DNA position 5136, G replaced by A.
Molecular consequence: intron variant. On other transcripts: missense variant (1).
Genome position (GRCh38, 1-based): chr9:134,830,166, G>A. VCF-style: chr9-134830166-G-A. GRCh37 (hg19) VCF-style: chr9-137722012-G-A.
Other names: c.5126G>A, p.Arg1709Gln (NM_001278074.1); short protein forms R1709Q.
Identifiers: ClinVar variation 2572726 (VCV002572726.2), dbSNP rs745430614, ClinGen allele CA5320630.

ClinVar aggregate classification (germline): Uncertain significance. Review status: criteria provided, multiple submitters, no conflicts (2 of 4 stars). 2 submissions from 2 submitters: Uncertain significance (2). Last evaluated 2024-03-20.

Allele frequency attached by ClinVar (database versions not stated): gnomAD exomes below 0.00001; ExAC 0.00001; TOPMed 0.00001.
gnomAD v4.1: 4 of 1,610,166 alleles (0.00025%); highest among the groups gnomAD compares: East Asian, 0.0022%; no homozygotes.

Submissions (2):

Blueprint Genetics
Classification: Uncertain significance. Last evaluated: 2024-03-20. Review status: criteria provided, single submitter. Criteria: ACMG Guidelines, 2015. Collection method: clinical testing. Allele origin: germline.

GeneDx
Classification: Uncertain significance. Last evaluated: 2023-01-13. Review status: criteria provided, single submitter. Criteria: GeneDx Variant Classification Process June 2021. Collection method: clinical testing. Allele origin: germline. Affected: yes.
Comment: Has not been previously published as pathogenic or benign to our knowledge; Not observed at significant frequency in large population cohorts (gnomAD); In silico analysis supports that this missense variant has a deleterious effect on protein structure/function; Not located in the triple helical region, where the majority of pathogenic missense variants occur (Symoens et al., 2012; HGMD); Reported using an alternate transcript of the gene